The following is an entry in ClinVar:

NM_172107.4(KCNQ2):c.647G>T (p.Gly216Val)

Gene: KCNQ2 (potassium voltage-gated channel subfamily Q member 2; minus strand). Cytogenetic location: 20q13.33.
Variant type: single nucleotide variant.
Coding change: c.647G>T on transcript NM_172107.4 (MANE Select); coding-DNA position 647, G replaced by T.
Protein change: p.Gly216Val; replaces glycine 216 with valine.
Molecular consequence: missense variant.
Genome position (GRCh38, 1-based): chr20:63,444,702, C>A on the plus strand (G>T on the coding strand, the complement: KCNQ2 is on the minus strand). VCF-style: chr20-63444702-C-A. GRCh37 (hg19) VCF-style: chr20-62076055-C-A.
Other names: c.647G>T, p.Gly216Val (NM_001382235.1, NM_004518.6, NM_172106.3 and 2 more transcripts); short protein forms G216V.
Identifiers: ClinVar variation 1723652 (VCV001723652.2), dbSNP rs2516502329, ClinGen allele CA409654722.
Genomic context (GRCh38, chr20:63,444,702, plus strand): 5'-TTGGGGCCGTGACTCACCTTGCTGTGGGCATAGACCACAGAGCCCAGCAGCTTCCAGGTG[C>A]CTCCCCGCCGGTCCATGCGGATCATCCGCAGAATCTGCAGGAAGCGCAGGCTCCGGAGCG-3'
Protein context (NP_742105.1, residues 206-226): LRMIRMDRRG[Gly216Val]TWKLLGSVVY

ClinVar aggregate classification (germline): Pathogenic (1 of 4 stars; one submission).

Submission:

GeneDx
Classification: Pathogenic. Last evaluated: 2022-11-10. Review status: criteria provided, single submitter. Criteria: GeneDx Variant Classification Process June 2021. Collection method: clinical testing. Allele origin: germline. Affected: yes.
Comment: Not observed in large population cohorts (gnomAD); Missense variants in this gene are often considered pathogenic (HGMD); In silico analysis supports that this missense variant has a deleterious effect on protein structure/function; Has not been previously published as pathogenic or benign to our knowledge